The following is an entry in ClinVar:

ClinVar aggregate classification (germline): Uncertain significance. Review status: criteria provided, multiple submitters, no conflicts (2 of 4 stars). 2 submissions from 2 submitters: Uncertain significance (2). Last evaluated 2025-08-30.

Conditions:
Inborn genetic diseases. Identifiers: MedGen C0950123, MeSH D030342.

Allele frequency attached by ClinVar (database versions not stated): gnomAD 0.00001; TOPMed 0.00001.
gnomAD v4.1: 5 of 1,591,202 alleles (0.00031%); highest among the groups gnomAD compares: Non-Finnish European, 0.00017%; no homozygotes.

Submissions (2):

Ambry Genetics
Classification: Uncertain significance for Inborn genetic diseases. Last evaluated: 2025-08-30. Review status: criteria provided, single submitter. Criteria: Ambry Variant Classification Scheme 2023. Collection method: clinical testing. Allele origin: germline.

Labcorp Genetics (formerly Invitae), Labcorp
Classification: Uncertain significance. Last evaluated: 2024-05-21. Review status: criteria provided, single submitter. Criteria: Invitae Variant Classification Sherloc (09022015). Collection method: clinical testing. Allele origin: germline.
Comment: This sequence change replaces glutamine, which is neutral and polar, with arginine, which is basic and polar, at codon 1509 of the LAMC3 protein (p.Gln1509Arg). This variant is not present in population databases (gnomAD no frequency). This variant has not been reported in the literature in individuals affected with LAMC3-related conditions. ClinVar contains an entry for this variant (Variation ID: 1462167). Algorithms developed to predict the effect of missense changes on protein structure and function output the following: SIFT: "Not Available"; PolyPhen-2: "Benign"; Align-GVGD: "Not Available". The arginine amino acid residue is found in multiple mammalian species, which suggests that this missense change does not adversely affect protein function. In summary, the available evidence is currently insufficient to determine the role of this variant in disease. Therefore, it has been classified as a Variant of Uncertain Significance.

NM_006059.4(LAMC3):c.4526A>G (p.Gln1509Arg)

Gene: LAMC3 (laminin subunit gamma 3; plus strand). Cytogenetic location: 9q34.12.
Variant type: single nucleotide variant.
Coding change: c.4526A>G on transcript NM_006059.4 (MANE Select); coding-DNA position 4526, A replaced by G.
Protein change: p.Gln1509Arg; replaces glutamine 1509 with arginine.
Molecular consequence: missense variant.
Genome position (GRCh38, 1-based): chr9:131,091,585, A>G. VCF-style: chr9-131091585-A-G. GRCh37 (hg19) VCF-style: chr9-133966972-A-G.
Other names: c.4526A>G (NM_006059.3); short protein forms Q1509R.
Identifiers: ClinVar variation 1462167 (VCV001462167.6), dbSNP rs766822325, ClinGen allele CA5288211.